The following is an entry in ClinVar:

ClinVar aggregate classification (germline): Benign. Review status: criteria provided, multiple submitters, no conflicts (2 of 4 stars). 5 submissions from 5 submitters: Benign (3). 2 of the submissions do not count toward it. Last evaluated 2026-01-20.

Conditions:
RTTN-related disorder. Also called: RTTN-related condition.

Allele frequency attached by ClinVar (database versions not stated): gnomAD exomes 0.00191 and 0.00482; ExAC 0.00694; 1000 Genomes Project 30x 0.01921; ESP Exome Variant Server 0.01956; gnomAD 0.01961 and 0.02113; 1000 Genomes Project 0.01997; TOPMed 0.02234.
gnomAD v4.1: 5,841 of 1,599,092 alleles (0.37%); highest among the groups gnomAD compares: African/African-American, 7%; 191 homozygotes.

Submissions (5):

Labcorp Genetics (formerly Invitae), Labcorp
Classification: Benign. Last evaluated: 2026-01-20. Review status: criteria provided, single submitter. Criteria: Invitae Variant Classification Sherloc (09022015). Collection method: clinical testing. Allele origin: germline.

GeneDx
Classification: Benign. Last evaluated: 2016-10-25. Review status: criteria provided, single submitter. Criteria: GeneDx Variant Classification (06012015). Collection method: clinical testing. Allele origin: germline. Affected: yes.
Comment: This variant is considered likely benign or benign based on one or more of the following criteria: it is a conservative change, it occurs at a poorly conserved position in the protein, it is predicted to be benign by multiple in silico algorithms, and/or has population frequency not consistent with disease.

Breakthrough Genomics
Classification: Benign. Review status: criteria provided, single submitter. Criteria: ACMG Guidelines, 2015. Collection method: not provided. Allele origin: germline. Inheritance: Autosomal recessive inheritance. Affected: yes.

PreventionGenetics, part of Exact Sciences
Classification: Benign for RTTN-related condition. Last evaluated: 2019-06-26. Review status: no assertion criteria provided. Collection method: clinical testing. Allele origin: germline. Not counted in ClinVar's aggregate classification.
Comment: This variant is classified as benign based on ACMG/AMP sequence variant interpretation guidelines (Richards et al. 2015 PMID: 25741868, with internal and published modifications).

Genetic Services Laboratory, University of Chicago
Classification: Likely benign for AllHighlyPenetrant. Review status: no assertion criteria provided. Collection method: clinical testing. Allele origin: germline. Inheritance: Autosomal recessive inheritance. Not counted in ClinVar's aggregate classification.
Comment: Likely benign based on allele frequency in 1000 Genomes Project or ESP global frequency and its presence in a patient with a rare or unrelated disease phenotype. NOT Sanger confirmed.

NM_173630.4(RTTN):c.4748-5A>G

Gene: RTTN (rotatin; minus strand). Cytogenetic location: 18q22.2.
Variant type: single nucleotide variant.
Coding change: c.4748-5A>G on transcript NM_173630.4 (MANE Select); 5 bases into the intron before coding-DNA position 4748, A replaced by G.
Molecular consequence: intron variant.
Genome position (GRCh38, 1-based): chr18:70,060,047, T>C on the plus strand (A>G on the coding strand, the complement: RTTN is on the minus strand). VCF-style: chr18-70060047-T-C. GRCh37 (hg19) VCF-style: chr18-67727283-T-C.
Other names: c.2012-5A>G (NM_001318520.2).
Identifiers: ClinVar variation 130181 (VCV000130181.19), dbSNP rs28495061, ClinGen allele CA155007.